The following is an entry in ClinVar:

NM_001909.5(CTSD):c.299C>T (p.Ser100Phe)

Gene: CTSD (cathepsin D; minus strand). Cytogenetic location: 11p15.5.
Variant type: single nucleotide variant.
Coding change: c.299C>T on transcript NM_001909.5 (MANE Select); coding-DNA position 299, C replaced by T.
Protein change: p.Ser100Phe; replaces serine 100 with phenylalanine.
Molecular consequence: missense variant.
Genome position (GRCh38, 1-based): chr11:1,759,569, G>A on the plus strand (C>T on the coding strand, the complement: CTSD is on the minus strand). VCF-style: chr11-1759569-G-A. GRCh37 (hg19) VCF-style: chr11-1780799-G-A.
Other names: p.S100F:TCC>TTC; short protein forms S100F.
Identifiers: ClinVar variation 205363 (VCV000205363.10), dbSNP rs796052407, ClinGen allele CA314368.

ClinVar aggregate classification (germline): Conflicting classifications of pathogenicity. Review status: criteria provided, conflicting classifications (1 of 4 stars). 4 submissions from 4 submitters: Likely pathogenic (3); Uncertain significance (1). Last evaluated 2023-10-26.

Conditions:
Inborn genetic diseases. Identifiers: MedGen C0950123, MeSH D030342.
Neuronal ceroid lipofuscinosis. Also called: Neuronal Ceroid Lipofuscinoses. Identifiers: Orphanet 216, Orphanet 79263, MedGen C0027877, MONDO:0016295. Disease mechanism: loss of function.

Allele frequency attached by ClinVar (database versions not stated): gnomAD exomes below 0.00001 and 0.00001; TOPMed 0.00003; gnomAD 0.00004 and 0.00005.

Submissions (4):

Women's Health and Genetics/Laboratory Corporation of America, LabCorp
Classification: Likely pathogenic for Neuronal ceroid lipofuscinosis. Last evaluated: 2023-10-26. Review status: criteria provided, single submitter. Criteria: LabCorp Variant Classification Summary - May 2015. Collection method: clinical testing. Allele origin: germline.
Comment: Variant summary: CTSD c.299C>T (p.Ser100Phe) results in a non-conservative amino acid change located in the Peptidase family A1 domain (IPR033121) of the encoded protein sequence. Five of five in-silico tools predict a damaging effect of the variant on protein function. The variant allele was found at a frequency of 4e-06 in 250438 control chromosomes (gnomAD). c.299C>T has been reported in the literature in an individual affected with Neuronal Ceroid-Lipofuscinosis (Batten Disease; Fritchie_2009). These data indicate that the variant may be associated with disease. Publications report experimental evidence evaluating an impact on protein function, finding profound reductions in enzymatic activity (Fritchie_2009, Bunk_2021). The following publications have been ascertained in the context of this evaluation (PMID: 18762956, 33681191). Three submitters have cited clinical-significance assessments for this variant to ClinVar after 2014. Based on the evidence outlined above, the variant was classified as likely pathogenic.

Labcorp Genetics (formerly Invitae), Labcorp
Classification: Uncertain significance for Neuronal ceroid lipofuscinosis. Last evaluated: 2022-08-20. Review status: criteria provided, single submitter. Criteria: Invitae Variant Classification Sherloc (09022015). Collection method: clinical testing. Allele origin: germline.
Comment: This sequence change replaces serine, which is neutral and polar, with phenylalanine, which is neutral and non-polar, at codon 100 of the CTSD protein (p.Ser100Phe). The frequency data for this variant in the population databases is considered unreliable, as metrics indicate poor data quality at this position in the gnomAD database. This missense change has been observed in individual(s) with congenital neuronal ceroid lipofuscinosis (PMID: 18762956). ClinVar contains an entry for this variant (Variation ID: 205363). Advanced modeling of protein sequence and biophysical properties (such as structural, functional, and spatial information, amino acid conservation, physicochemical variation, residue mobility, and thermodynamic stability) performed at Invitae indicates that this missense variant is expected to disrupt CTSD protein function. Experimental studies have shown that this missense change affects CTSD function (PMID: 18762956). In summary, the available evidence is currently insufficient to determine the role of this variant in disease. Therefore, it has been classified as a Variant of Uncertain Significance.

GeneDx
Classification: Likely pathogenic. Last evaluated: 2018-02-28. Review status: criteria provided, single submitter. Criteria: GeneDx Variant Classification (06012015). Collection method: clinical testing. Allele origin: germline. Affected: yes.
Comment: The S100F variant in the CTSD gene has been reported previously in an individual with congenital neuronal lipofuscinosis who was homozygous for the S100F variant (Fritchie et al., 2009). Functional studies of the S100F variant demonstrated a damaging effect with severely reduced cathepsin D enzyme activity (Fritchie et al., 2009). The S100F variant is not observed in large population cohorts (Lek et al., 2016). The S100F variant is a non-conservative amino acid substitution, which is likely to impact secondary protein structure as these residues differ in polarity, charge, size and/or other properties. In-silico analyses, including protein predictors and evolutionary conservation, support a deleterious effect. We interpret S100F as a likely pathogenic variant.

Ambry Genetics
Classification: Likely pathogenic for Inborn genetic diseases. Last evaluated: 2018-01-26. Review status: criteria provided, single submitter. Criteria: Ambry Variant Classification Scheme 2023. Collection method: clinical testing. Allele origin: germline.
Comment: The p.S100F variant (also known as c.299C>T), located in coding exon 3 of the CTSD gene, results from a C to T substitution at nucleotide position 299. The serine at codon 100 is replaced by phenylalanine, an amino acid with highly dissimilar properties. This alteration was detected in the homozygous state in an individual with congenital neuronal ceroid lipofuscinosis (NCL). In addition, authors found very low enzyme activity in this individual's fibroblasts as well as reduced CTSD activity in functional studies (Fritchie K et al. Acta Neuropathol., 2009 Feb;117:201-8). This amino acid position is highly conserved in available vertebrate species. In addition, this alteration is predicted to be deleterious by in silico analysis. Based on the majority of available evidence to date, this variant is likely to be pathogenic.

Literature cited by the submitters: PubMed 33681191 (cited by Women's Health and Genetics/Laboratory Corporation of America, LabCorp); PubMed 18762956 (cited by 3 submitters).